The following is an entry in ClinVar:

NM_006516.4(SLC2A1):c.1034C>T (p.Ala345Val)

Gene: SLC2A1 (solute carrier family 2 member 1; minus strand). Cytogenetic location: 1p34.2.
Variant type: single nucleotide variant.
Coding change: c.1034C>T on transcript NM_006516.4 (MANE Select); coding-DNA position 1034, C replaced by T.
Protein change: p.Ala345Val; replaces alanine 345 with valine.
Molecular consequence: missense variant.
Genome position (GRCh38, 1-based): chr1:42,928,972, G>A on the plus strand (C>T on the coding strand, the complement: SLC2A1 is on the minus strand). VCF-style: chr1-42928972-G-A. GRCh37 (hg19) VCF-style: chr1-43394643-G-A.
Other names: short protein forms A345V.
Identifiers: ClinVar variation 212202 (VCV000212202.28), dbSNP rs769943554, ClinGen allele CA205824.

ClinVar aggregate classification (germline): Conflicting classifications of pathogenicity. Review status: criteria provided, conflicting classifications (1 of 4 stars). 9 submissions from 8 submitters: Uncertain significance (2); Benign (2); Likely benign (5). Last evaluated 2026-01-19.

Conditions:
Dystonia 9 (DYT9). Also called: CHOREOATHETOSIS, KINESIGENIC, WITH EPISODIC ATAXIA AND SPASTICITY. Identifiers: Orphanet 53583, MedGen C1832855, MONDO:0010983, OMIM 601042.
Encephalopathy due to GLUT1 deficiency. Also called: GLUCOSE TRANSPORT DEFECT, BLOOD-BRAIN BARRIER; Classic Glucose Transporter Type 1 Deficiency Syndrome; GLUT1 deficiency syndrome 1, infantile onset, severe; Glucose transporter protein syndrome; GLUT1 deficiency syndrome 1; De Vivo disease. Identifiers: Orphanet 71277, MedGen C4551966, MONDO:0011724, OMIM 606777.
GLUT1 deficiency syndrome 1, autosomal recessive. Identifiers: MedGen C3149117.
Inborn genetic diseases. Identifiers: MedGen C0950123, MeSH D030342.

Allele frequency attached by ClinVar (database versions not stated): gnomAD 0.00004 and 0.00005; TOPMed 0.00004; gnomAD exomes 0.00009; ExAC 0.00012.
gnomAD v4.1: 59 of 1,613,824 alleles (0.0037%); highest among the groups gnomAD compares: Admixed American, 0.027%; 1 homozygote.

Submissions (9):

Labcorp Genetics (formerly Invitae), Labcorp
Classification: Uncertain significance for GLUT1 deficiency syndrome 1, autosomal recessive. Last evaluated: 2026-01-19. Review status: criteria provided, single submitter. Criteria: Invitae Variant Classification Sherloc (09022015). Collection method: clinical testing. Allele origin: germline.
Comment: This sequence change replaces alanine, which is neutral and non-polar, with valine, which is neutral and non-polar, at codon 345 of the SLC2A1 protein (p.Ala345Val). This variant is present in population databases (rs769943554, gnomAD 0.04%). This variant has not been reported in the literature in individuals affected with SLC2A1-related conditions. ClinVar contains an entry for this variant (Variation ID: 212202). Invitae Evidence Modeling incorporating data from in vitro experimental studies (internal data) did not meet the statistical confidence thresholds required to predict the impact of this variant on SLC2A1 function. In summary, the available evidence is currently insufficient to determine the role of this variant in disease. Therefore, it has been classified as a Variant of Uncertain Significance.

Ambry Genetics
Classification: Likely benign for Inborn genetic diseases. Last evaluated: 2024-11-11. Review status: criteria provided, single submitter. Criteria: Ambry Variant Classification Scheme 2023. Collection method: clinical testing. Allele origin: germline.

Athena Diagnostics
Classification: Likely benign. Last evaluated: 2024-05-28. Review status: criteria provided, single submitter. Criteria: Athena Diagnostics Criteria. Collection method: clinical testing. Allele origin: unknown.

Women's Health and Genetics/Laboratory Corporation of America, LabCorp
Classification: Likely benign. Last evaluated: 2023-10-11. Review status: criteria provided, single submitter. Criteria: LabCorp Variant Classification Summary - May 2015. Collection method: clinical testing. Allele origin: germline.
Comment: Variant summary: SLC2A1 c.1034C>T (p.Ala345Val) results in a non-conservative amino acid change in the encoded protein sequence. Three of five in-silico tools predict a benign effect of the variant on protein function. The variant allele was found at a frequency of 8.8e-05 in 250870 control chromosomes (i.e. in 22 carriers). The relatively high occurrence of heterozygous control individuals suggests that the variant is likely not associated with a high penetrance, early onset dominant disease phenotype. To our knowledge, no occurrence of c.1034C>T in individuals affected with GLUT1 Deficiency Syndrome 1 and no experimental evidence demonstrating its impact on protein function have been reported. Six submitters have cited clinical-significance assessments for this variant to ClinVar after 2014. Multiple submitters reported the variant with conflicting assessments. Based on the evidence outlined above, the variant was classified as likely benign.

GeneDx
Classification: Likely benign. Last evaluated: 2020-10-01. Review status: criteria provided, single submitter. Criteria: GeneDx Variant Classification Process June 2021. Collection method: clinical testing. Allele origin: germline. Affected: yes.

Eurofins Ntd Llc (ga)
Classification: Uncertain significance. Last evaluated: 2018-03-12. Review status: criteria provided, single submitter. Criteria: EGL ClinVar v180209 classification definitions. Collection method: clinical testing. Allele origin: germline. Observed: 1 variant allele, 1 heterozygote.

Illumina Laboratory Services, Illumina
Classification: Benign for Dystonia 9. Last evaluated: 2018-01-13. Review status: criteria provided, single submitter. Criteria: ICSL Variant Classification Criteria 13 December 2019. Collection method: clinical testing. Allele origin: germline.
Comment: This variant was observed in the ICSL laboratory as part of a predisposition screen in an ostensibly healthy population. It had not been previously curated by ICSL or reported in the Human Gene Mutation Database (HGMD: prior to June 1st, 2018), and was therefore a candidate for classification through an automated scoring system. Utilizing variant allele frequency, disease prevalence and penetrance estimates, and inheritance mode, an automated score was calculated to assess if this variant is too frequent to cause the disease. Based on the score and internal cut-off values, a variant classified as benign is not then subjected to further curation. The score for this variant resulted in a classification of benign for this disease.

Illumina Laboratory Services, Illumina
Classification: Benign for Encephalopathy due to GLUT1 deficiency. Last evaluated: 2018-01-13. Review status: criteria provided, single submitter. Criteria: ICSL Variant Classification Criteria 13 December 2019. Collection method: clinical testing. Allele origin: germline.
Comment: the same text as in the submission from Illumina Laboratory Services, Illumina above.

Genetic Services Laboratory, University of Chicago
Classification: Likely benign. Last evaluated: 2016-04-20. Review status: criteria provided, single submitter. Criteria: ACMG Guidelines, 2015. Collection method: clinical testing. Allele origin: germline. Affected: no.